The following is an entry in ClinVar:

ClinVar aggregate classification (germline): Uncertain significance (1 of 4 stars; one submission).

Allele frequency attached by ClinVar (database versions not stated): gnomAD 0.00001; TOPMed 0.00001.
gnomAD v4.1: 2 of 1,614,120 alleles (0.00012%); highest among the groups gnomAD compares: African/African-American, 0.0027%; no homozygotes.

Submission:

Labcorp Genetics (formerly Invitae), Labcorp
Classification: Uncertain significance. Last evaluated: 2025-06-12. Review status: criteria provided, single submitter. Criteria: Invitae Variant Classification Sherloc (09022015). Collection method: clinical testing. Allele origin: germline.
Comment: This sequence change replaces valine, which is neutral and non-polar, with isoleucine, which is neutral and non-polar, at codon 95 of the UCP2 protein (p.Val95Ile). This variant is present in population databases (no rsID available, gnomAD 0.004%). This variant has not been reported in the literature in individuals affected with UCP2-related conditions. ClinVar contains an entry for this variant (Variation ID: 3017448). An algorithm developed to predict the effect of missense changes on protein structure and function outputs the following: PolyPhen-2: "Benign". The isoleucine amino acid residue is found in multiple mammalian species, which suggests that this missense change does not adversely affect protein function. In summary, the available evidence is currently insufficient to determine the role of this variant in disease. Therefore, it has been classified as a Variant of Uncertain Significance.

NM_003355.3(UCP2):c.283G>A (p.Val95Ile)

Gene: UCP2 (uncoupling protein 2; minus strand). Cytogenetic location: 11q13.4.
Variant type: single nucleotide variant.
Coding change: c.283G>A on transcript NM_003355.3 (MANE Select); coding-DNA position 283, G replaced by A.
Protein change: p.Val95Ile; replaces valine 95 with isoleucine.
Molecular consequence: missense variant.
Genome position (GRCh38, 1-based): chr11:73,977,940, C>T on the plus strand (G>A on the coding strand, the complement: UCP2 is on the minus strand). VCF-style: chr11-73977940-C-T. GRCh37 (hg19) VCF-style: chr11-73688985-C-T.
Other names: c.283G>A, p.Val95Ile (NM_001381943.1, NM_001381944.1, NM_001381945.1 and 4 more transcripts); short protein forms V95I.
Identifiers: ClinVar variation 3017448 (VCV003017448.3), dbSNP rs1382545150, ClinGen allele CA381811700.